The following is an entry in ClinVar:

ClinVar aggregate classification (germline): Likely benign. Review status: criteria provided, multiple submitters, no conflicts (2 of 4 stars). 3 submissions from 3 submitters: Likely benign (3). Last evaluated 2025-06-03.

Conditions:
Hereditary cancer-predisposing syndrome. Also called: Tumor predisposition; Neoplastic Syndromes, Hereditary; Hereditary Cancer Syndrome; Hereditary neoplastic syndrome. Identifiers: Orphanet 140162, MedGen C0027672, MeSH D009386, MONDO:0015356.
Peutz-Jeghers syndrome (PJS). Also called: POLYPOSIS, HAMARTOMATOUS INTESTINAL; POLYPS-AND-SPOTS SYNDROME; Peutz-Jeghers polyposis; Periorificial lentiginosis syndrome. Identifiers: Orphanet 2869, MedGen C0031269, MeSH D010580, MONDO:0008280, OMIM 175200.

Allele frequency attached by ClinVar (database versions not stated): gnomAD exomes below 0.00001; gnomAD 0.00001; TOPMed 0.00001.

Submissions (3):

Labcorp Genetics (formerly Invitae), Labcorp
Classification: Likely benign for Peutz-Jeghers syndrome. Last evaluated: 2025-06-03. Review status: criteria provided, single submitter. Criteria: Invitae Variant Classification Sherloc (09022015). Collection method: clinical testing. Allele origin: germline.

Color Diagnostics, LLC DBA Color Health
Classification: Likely benign for Hereditary cancer-predisposing syndrome. Last evaluated: 2017-09-26. Review status: criteria provided, single submitter. Criteria: ACMG Guidelines, 2015. Collection method: clinical testing. Allele origin: germline.

GeneDx
Classification: Likely benign. Last evaluated: 2017-06-09. Review status: criteria provided, single submitter. Criteria: GeneDx Variant Classification (06012015). Collection method: clinical testing. Allele origin: germline. Affected: yes.
Comment: This variant is considered likely benign or benign based on one or more of the following criteria: it is a conservative change, it occurs at a poorly conserved position in the protein, it is predicted to be benign by multiple in silico algorithms, and/or has population frequency not consistent with disease.

NM_000455.5(STK11):c.597+14A>G

Gene: STK11 (serine/threonine kinase 11; plus strand). Cytogenetic location: 19p13.3.
Variant type: single nucleotide variant.
Coding change: c.597+14A>G on transcript NM_000455.5 (MANE Select); 14 bases into the intron after coding-DNA position 597, A replaced by G.
Molecular consequence: intron variant.
Genome position (GRCh38, 1-based): chr19:1,220,519, A>G. VCF-style: chr19-1220519-A-G. GRCh37 (hg19) VCF-style: chr19-1220518-A-G.
Identifiers: ClinVar variation 492538 (VCV000492538.11), dbSNP rs372358818, ClinGen allele CA304025960.